The following is an entry in ClinVar:

NM_021098.3(CACNA1H):c.884G>T (p.Arg295Leu)

Gene: CACNA1H (calcium voltage-gated channel subunit alpha1 H; plus strand). Cytogenetic location: 16p13.3.
Variant type: single nucleotide variant.
Coding change: c.884G>T on transcript NM_021098.3 (MANE Select); coding-DNA position 884, G replaced by T.
Protein change: p.Arg295Leu; replaces arginine 295 with leucine.
Molecular consequence: missense variant.
Genome position (GRCh38, 1-based): chr16:1,200,336, G>T. VCF-style: chr16-1200336-G-T. GRCh37 (hg19) VCF-style: chr16-1250336-G-T.
Other names: c.884G>T, p.Arg295Leu (NM_001005407.2); short protein forms R295L.
Identifiers: ClinVar variation 1483980 (VCV001483980.8), dbSNP rs749305814, ClinGen allele CA394156162.

ClinVar aggregate classification (germline): Uncertain significance (1 of 4 stars; one submission).

Conditions:
Idiopathic generalized epilepsy. Also called: Generalised epilepsy; EIG. Identifiers: MedGen C0270850, MONDO:0005579, OMIM 600669.
Hyperaldosteronism, familial, type IV (HALD4). Also called: FH IV; ALDOSTERONISM, PRIMARY, AND HYPERTENSION. Identifiers: Orphanet 642671, MedGen C4310756, MONDO:0014875, OMIM 617027.

gnomAD v4.1: 1 of 1,603,232 alleles (0.000062%); highest among the groups gnomAD compares: East Asian, 0.0023%; no homozygotes.

Submission:

Labcorp Genetics (formerly Invitae), Labcorp
Classification: Uncertain significance for Idiopathic generalized epilepsy; Hyperaldosteronism, familial, type IV. Last evaluated: 2021-01-19. Review status: criteria provided, single submitter. Criteria: Invitae Variant Classification Sherloc (09022015). Collection method: clinical testing. Allele origin: germline.
Comment: This variant has not been reported in the literature in individuals with CACNA1H-related conditions. In summary, the available evidence is currently insufficient to determine the role of this variant in disease. Therefore, it has been classified as a Variant of Uncertain Significance. Advanced modeling of protein sequence and biophysical properties (such as structural, functional, and spatial information, amino acid conservation, physicochemical variation, residue mobility, and thermodynamic stability) performed at Invitae indicates that this missense variant is not expected to disrupt CACNA1H protein function. This variant is not present in population databases (ExAC no frequency). This sequence change replaces arginine with leucine at codon 295 of the CACNA1H protein (p.Arg295Leu). The arginine residue is moderately conserved and there is a moderate physicochemical difference between arginine and leucine.